The following is an entry in ClinVar:

NM_000277.3(PAH):c.438C>T (p.His146=)

Gene: PAH (phenylalanine hydroxylase; minus strand). Cytogenetic location: 12q23.2.
Variant type: single nucleotide variant.
Coding change: c.438C>T on transcript NM_000277.3 (MANE Select); coding-DNA position 438, C replaced by T.
Protein change: p.His146=; no amino-acid change (histidine 146 retained).
Molecular consequence: synonymous variant.
Genome position (GRCh38, 1-based): chr12:102,877,465, G>A on the plus strand (C>T on the coding strand, the complement: PAH is on the minus strand). VCF-style: chr12-102877465-G-A. GRCh37 (hg19) VCF-style: chr12-103271243-G-A.
Other names: NM_000277.3(PAH):c.438C>T; p.His146=; c.438C>T, p.His146= (NM_001354304.2).
Identifiers: ClinVar variation 755030 (VCV000755030.12), dbSNP rs191142120, ClinGen allele CA6748956.

ClinVar aggregate classification (germline): Uncertain significance. Review status: reviewed by expert panel (3 of 4 stars). 4 submissions from 4 submitters: Uncertain significance (1). 3 of the submissions do not count toward it. Last evaluated 2023-07-23.

Conditions:
Phenylketonuria (PKU). Also called: Phenylketonuria (PKU); Phenylketonurias; FOLLING DISEASE; OLIGOPHRENIA PHENYLPYRUVICA. Identifiers: Orphanet 716, MedGen C0031485, MONDO:0009861, OMIM 261600. Disease mechanism: loss of function.
Inborn genetic diseases. Identifiers: MedGen C0950123, MeSH D030342.

Allele frequency attached by ClinVar (database versions not stated): ExAC 0.00003; gnomAD 0.00006 and 0.00005; 1000 Genomes Project 0.00020; 1000 Genomes Project 30x 0.00016; gnomAD exomes 0.00001; TOPMed 0.00011; ESP Exome Variant Server 0.00008.
gnomAD v4.1: 15 of 1,612,320 alleles (0.00093%); highest among the groups gnomAD compares: African/African-American, 0.016%; no homozygotes.

Submissions (4):

ClinGen PAH Variant Curation Expert Panel
Classification: Uncertain significance for Phenylketonuria. Last evaluated: 2023-07-23. Review status: reviewed by expert panel. Criteria: ClinGen PAH ACMG Specifications v1. Collection method: curation. Allele origin: germline. Inheritance: Autosomal recessive inheritance.
Comment: The NM_000277.3:c.438C>T variant in PAH is a synonymous (silent) variant (p.His146=) that is not predicted to impact splicing. To our knowledge, this variant has not been reported in the literature and results of functional studies are unavailable. The highest population minor allele frequency in gnomAD v2.1.1 is 0.0002003 (5/24962 alleles) in the African/African American population (none of the population data codes are met). There is a ClinVar entry for this variant (Variation ID: 755030, 1 star review status) with one submitter classifying the variant as a variant of uncertain significance and one submitter classifying the variant as likely benign. In summary, this variant meets the criteria to be classified as a variant of uncertain significance for PAH deficiency based on the ACMG/AMP criteria applied, as specified by the ClinGen PAH Variant Curation Expert Panel (Specifications Version 2.0): no criteria are met.

Ambry Genetics
Classification: Likely benign for Inborn genetic diseases. Last evaluated: 2025-12-21. Review status: criteria provided, single submitter. Criteria: Ambry Variant Classification Scheme 2023. Collection method: clinical testing. Allele origin: germline. Not counted in ClinVar's aggregate classification.

Labcorp Genetics (formerly Invitae), Labcorp
Classification: Likely benign for Phenylketonuria. Last evaluated: 2023-12-13. Review status: criteria provided, single submitter. Criteria: Invitae Variant Classification Sherloc (09022015). Collection method: clinical testing. Allele origin: germline. Not counted in ClinVar's aggregate classification.

Natera, Inc.
Classification: Uncertain significance for Phenylketonuria. Last evaluated: 2020-04-17. Review status: no assertion criteria provided. Collection method: clinical testing. Allele origin: germline. Not counted in ClinVar's aggregate classification.